The following is an entry in ClinVar:

NM_022051.3(EGLN1):c.477G>C (p.Lys159Asn)

Gene: EGLN1 (egl-9 family hypoxia inducible factor 1; minus strand). Cytogenetic location: 1q42.2.
Variant type: single nucleotide variant.
Coding change: c.477G>C on transcript NM_022051.3 (MANE Select); coding-DNA position 477, G replaced by C.
Protein change: p.Lys159Asn; replaces lysine 159 with asparagine.
Molecular consequence: missense variant.
Genome position (GRCh38, 1-based): chr1:231,421,412, C>G on the plus strand (G>C on the coding strand, the complement: EGLN1 is on the minus strand). VCF-style: chr1-231421412-C-G. GRCh37 (hg19) VCF-style: chr1-231557158-C-G.
Other names: c.477G>C, p.Lys159Asn (NM_001377260.1, NM_001377261.1); short protein forms K159N.
Identifiers: ClinVar variation 1743039 (VCV001743039.2), dbSNP rs766985056, ClinGen allele CA345236828.

ClinVar aggregate classification (germline): Uncertain significance (1 of 4 stars; one submission).

Submission:

Ambry Genetics
Classification: Uncertain significance. Last evaluated: 2021-11-22. Review status: criteria provided, single submitter. Criteria: Ambry Variant Classification Scheme 2023. Collection method: clinical testing. Allele origin: germline.
Comment: The p.K159N variant (also known as c.477G>C), located in coding exon 1 of the EGLN1 gene, results from a G to C substitution at nucleotide position 477. The lysine at codon 159 is replaced by asparagine, an amino acid with similar properties. This amino acid position is conserved. In addition, this alteration is predicted to be tolerated by in silico analysis. Since supporting evidence is limited at this time, the clinical significance of this alteration remains unclear.